The following is an entry in ClinVar:

NM_001042681.2(RERE):c.496T>C (p.Ser166Pro)

Gene: RERE (arginine-glutamic acid dipeptide repeats; minus strand). Cytogenetic location: 1p36.23.
Variant type: single nucleotide variant.
Coding change: c.496T>C on transcript NM_001042681.2 (MANE Select); coding-DNA position 496, T replaced by C.
Protein change: p.Ser166Pro; replaces serine 166 with proline.
Molecular consequence: missense variant.
Genome position (GRCh38, 1-based): chr1:8,614,587, A>G on the plus strand (T>C on the coding strand, the complement: RERE is on the minus strand). VCF-style: chr1-8614587-A-G. GRCh37 (hg19) VCF-style: chr1-8674646-A-G.
Other names: c.496T>C (NM_012102.3); c.496T>C, p.Ser166Pro (NM_012102.4); short protein forms S166P.
Identifiers: ClinVar variation 3710438 (VCV003710438.3).

ClinVar aggregate classification (germline): Uncertain significance. Review status: criteria provided, multiple submitters, no conflicts (2 of 4 stars). 2 submissions from 2 submitters: Uncertain significance (2). Last evaluated 2025-08-07.

Conditions:
Inborn genetic diseases. Identifiers: MedGen C0950123, MeSH D030342.

Submissions (2):

Ambry Genetics
Classification: Uncertain significance for Inborn genetic diseases. Last evaluated: 2025-08-07. Review status: criteria provided, single submitter. Criteria: Ambry Variant Classification Scheme 2023. Collection method: clinical testing. Allele origin: germline.

Labcorp Genetics (formerly Invitae), Labcorp
Classification: Uncertain significance. Last evaluated: 2025-02-24. Review status: criteria provided, single submitter. Criteria: Invitae Variant Classification Sherloc (09022015). Collection method: clinical testing. Allele origin: germline.
Comment: This sequence change replaces serine, which is neutral and polar, with proline, which is neutral and non-polar, at codon 166 of the RERE protein (p.Ser166Pro). This variant is present in population databases (no rsID available, gnomAD 0.003%). This variant has not been reported in the literature in individuals affected with RERE-related conditions. Invitae Evidence Modeling of protein sequence and biophysical properties (such as structural, functional, and spatial information, amino acid conservation, physicochemical variation, residue mobility, and thermodynamic stability) indicates that this missense variant is not expected to disrupt RERE protein function with a negative predictive value of 95%. In summary, the available evidence is currently insufficient to determine the role of this variant in disease. Therefore, it has been classified as a Variant of Uncertain Significance.